The following is an entry in ClinVar:

NM_152393.4(KLHL40):c.1340C>A (p.Pro447Gln)

Gene: KLHL40 (kelch like family member 40; plus strand). Cytogenetic location: 3p22.1.
Variant type: single nucleotide variant.
Coding change: c.1340C>A on transcript NM_152393.4 (MANE Select); coding-DNA position 1340, C replaced by A.
Protein change: p.Pro447Gln; replaces proline 447 with glutamine.
Molecular consequence: missense variant.
Genome position (GRCh38, 1-based): chr3:42,688,636, C>A. VCF-style: chr3-42688636-C-A. GRCh37 (hg19) VCF-style: chr3-42730128-C-A.
Other names: short protein forms P447Q.
Identifiers: ClinVar variation 1029194 (VCV001029194.2), dbSNP rs764077398, ClinGen allele CA352293798.
Genomic context (GRCh38, chr3:42,688,636, plus strand): 5'-TGCCCTCCCCCACCCCCACTCCCGTCTCCTCCAGGTCATTCAAATGGGGTGAATCGGACC[C>A]GCTGCCTTACGTGGTGTATGGCCACACAGTGCTCTCCCACATGGACCTTGTCTACGTAAT-3'
Protein context (NP_689606.2, residues 437-457): RLSFKWGESD[Pro447Gln]LPYVVYGHTV

ClinVar aggregate classification (germline): Uncertain significance. Review status: criteria provided, multiple submitters, no conflicts (2 of 4 stars). 2 submissions from 2 submitters: Uncertain significance (2). Last evaluated 2024-05-13.

Conditions:
Nemaline myopathy 8 (NEM8). Also called: Nemaline myopathy 8, autosomal recessive. Identifiers: Orphanet 171430, MedGen C3809209, MONDO:0014138, OMIM 615348.
Inborn genetic diseases. Identifiers: MedGen C0950123, MeSH D030342.

Allele frequency attached by ClinVar (database versions not stated): TOPMed 0.00001.

Submissions (2):

Ambry Genetics
Classification: Uncertain significance for Inborn genetic diseases. Last evaluated: 2024-05-13. Review status: criteria provided, single submitter. Criteria: Ambry Variant Classification Scheme 2023. Collection method: clinical testing. Allele origin: germline.

Baylor Genetics
Classification: Uncertain significance for Nemaline myopathy 8. Last evaluated: 2019-03-06. Review status: criteria provided, single submitter. Criteria: ACMG Guidelines, 2015. Collection method: clinical testing. Allele origin: paternal. Affected: yes.
Comment: This variant was determined to be of uncertain significance according to ACMG Guidelines, 2015 [PMID:25741868].